The following is an entry in ClinVar:

NM_000051.4(ATM):c.2251-10T>G

Gene: ATM (ATM serine/threonine kinase; plus strand). Cytogenetic location: 11q22.3.
Variant type: single nucleotide variant.
Coding change: c.2251-10T>G on transcript NM_000051.4 (MANE Select); 10 bases into the intron before coding-DNA position 2251, T replaced by G.
Molecular consequence: intron variant.
Genome position (GRCh38, 1-based): chr11:108,257,471, T>G. VCF-style: chr11-108257471-T-G. GRCh37 (hg19) VCF-style: chr11-108128198-T-G.
Other names: c.2251-10T>G (NM_001351834.2, NM_000051.2).
Identifiers: ClinVar variation 181926 (VCV000181926.44), dbSNP rs730881346, ClinGen allele CA298162.

ClinVar aggregate classification (germline): Pathogenic/Likely pathogenic. Review status: criteria provided, multiple submitters, no conflicts (2 of 4 stars). 16 submissions from 16 submitters: Pathogenic (12); Likely pathogenic (3). 1 of the submissions does not count toward it. Last evaluated 2026-03-09.

Conditions:
ATM-related disorder. Also called: ATM-related disorders; ATM-related condition.
Hereditary cancer-predisposing syndrome. Also called: Neoplastic Syndromes, Hereditary; Tumor predisposition; Hereditary neoplastic syndrome; Hereditary Cancer Syndrome. Identifiers: Orphanet 140162, MedGen C0027672, MeSH D009386, MONDO:0015356.
Familial cancer of breast. Also called: Hereditary breast cancer; BREAST CANCER, FAMILIAL; hereditary breast carcinoma. Identifiers: Orphanet 227535, MedGen C0346153, MONDO:0016419, OMIM 114480. Disease mechanism: loss of function.
Ataxia-telangiectasia syndrome (AT). Also called: Cerebello-oculocutaneous telangiectasia; Immunodeficiency with ataxia telangiectasia; AT, COMPLEMENTATION GROUP C; LOUIS-BAR SYNDROME; Ataxia-telangiectasia, complementation group E; ATAXIA-TELANGIECTASIA, COMPLEMENTATION GROUP A. Identifiers: Orphanet 100, MedGen C0004135, MONDO:0008840, OMIM 208900.

Allele frequency attached by ClinVar (database versions not stated): ExAC 0.00001; gnomAD 0.00001; gnomAD exomes 0.00001 and 0.00002; TOPMed 0.00002.
gnomAD v4.1: 28 of 1,612,146 alleles (0.0017%); highest among the groups gnomAD compares: Non-Finnish European, 0.0024%; no homozygotes.

Submissions 1 to 6 of 16:

PreventionGenetics, part of Exact Sciences
Classification: Pathogenic for ATM-related condition. Last evaluated: 2026-03-09. Review status: criteria provided, single submitter. Criteria: ACMG Guidelines, 2015. Collection method: clinical testing. Allele origin: germline.
Comment: The ATM c.2251-10T>G variant is predicted to interfere with splicing. In the literature this variant has been referred to as IVS16-10T>G and 2249ins9nt. This variant has been reported in the homozygous state in an individual with ataxia telangiectasia (Stankovic et al. 1998. PubMed ID: 9463314) and along with a second pathogenic variant in multiple individuals with ataxia telangiectasia (Telatar et al. 1998. PubMed ID: 9443866; Becker-Catania et al. 2000. PubMed ID: 10873394; Stankovic et al. 1998. PubMed ID: 9463314; Buzin et al. 2003. PubMed ID: 12552559). Additionally, this variant has been reported in the heterozygous state in an individual with breast cancer (Table S1, Susswein et al. 2016. PubMed ID: 26681312) and another individual with pancreatic cancer (eTable 3, Hu et al. 2018. PubMed ID: 29922827). RT-PCR studies indicate this variant leads to the creation of a novel splice acceptor site and results in premature protein termination (Stankovic et al. 1998. PubMed ID: 9463314; Teraoka et al. 1999. PubMed ID: 10330348). This variant is present in 3 out of 281,524 alleles in the gnomAD database and has been interpreted as pathogenic/likely pathogenic in the ClinVar database (Variation ID: 181926). Based on the available evidence, we interpret the ATM c.2251-10T>G variant as pathogenic.

Labcorp Genetics (formerly Invitae), Labcorp
Classification: Pathogenic for Ataxia-telangiectasia syndrome. Last evaluated: 2026-01-31. Review status: criteria provided, single submitter. Criteria: Invitae Variant Classification Sherloc (09022015). Collection method: clinical testing. Allele origin: germline.
Comment: This sequence change falls in intron 14 of the ATM gene. It does not directly change the encoded amino acid sequence of the ATM protein. RNA analysis indicates that this variant induces altered splicing and may result in an absent or altered protein product. This variant is present in population databases (rs730881346, gnomAD 0.002%). This variant has been observed in individuals with ataxia-telangiectasia and/or breast cancer (PMID: 9443866, 9463314, 10330348, 10873394, 12552559, 26681312). It has also been observed to segregate with disease in related individuals. This variant is also known as IVS16-10T>G or 2249ins9nt. ClinVar contains an entry for this variant (Variation ID: 181926). Studies have shown that this variant alters ATM gene expression (PMID: 9463314, 10873394, 21792198). Studies have shown that this variant results in activation of a cryptic splice site, and produces a non-functional protein and/or introduces a premature termination codon (internal data). For these reasons, this variant has been classified as Pathogenic.

Color Diagnostics, LLC DBA Color Health
Classification: Pathogenic for Hereditary cancer-predisposing syndrome. Last evaluated: 2025-05-20. Review status: criteria provided, single submitter. Criteria: ACMG Guidelines, 2015. Collection method: clinical testing. Allele origin: germline.
Comment: This variant causes a T to G nucleotide substitution at the -10 position of intron 14 of the ATM gene. Splice site prediction tools predict that this variant may create an alternative splice acceptor site. The use of this splice site is predicted to create a premature translation termination signal and is expected to result in an absent or non-functional protein product. Cell lines that are homozygous for this variant are reported to have undetectable ATM protein expression and autophosphorylation activity (PMID: 28182994). This variant (also known as IVS16-10T>G in the literature) has been reported in the homozygous state and compound heterozygous state in individuals affected with ataxia-telangiectasia (PMID: 9443866, 9463314, 10330348, 10873394, 12552559, 21792198, 34539671). Cells derived from some of these individuals have shown reduced or absent ATM protein levels and undetectable ATM kinase activity (PMID: 10873394, 21792198). This variant has also been reported in individuals affected with pancreatic cancer, breast cancer and/or ovarian cancer (PMID: 26681312, 28281021, 28779002, 29922827, 35626031, 37345735). This variant has been identified in 3/281524 chromosomes in the general population by the Genome Aggregation Database (gnomAD). Loss of ATM function is a known mechanism of disease. Based on the available evidence, this variant is classified as Pathogenic.

Ambry Genetics
Classification: Pathogenic for Hereditary cancer-predisposing syndrome. Last evaluated: 2025-05-14. Review status: criteria provided, single submitter. Criteria: Ambry Variant Classification Scheme 2023. Collection method: clinical testing. Allele origin: germline.
Comment: The c.2251-10T>G intronic pathogenic mutation results from a T to G substitution 10 nucleotides upstream from coding exon 14 in the ATM gene. This alteration has been reported in conjunction with a second, pathogenic mutation in multiple individuals diagnosed with ataxia-telangiectasia (Telatar M et al. Am. J. Hum. Genet. 1998 Jan;62:86-97; Teraoka SN et al. Am. J. Hum. Genet. 1999 June;64:1617-31; Becker-Catania SG et al. Mol. Genet. Metab. 2000 Jun;70:122-33; Campbell C et al. Hum. Mutat. 2003 Jan;21:80-85; Buzin CH et al. Hum. Mutat. 2003 Feb;21:123-31). In addition, this alteration has been identified in individuals diagnosed with breast cancer (Susswein LR et al. Genet. Med. 2016 Aug;18:823-32; Decker B et al. J. Med. Genet. 2017 Nov;54:732-741). This variant is considered to be rare based on population cohorts in the Genome Aggregation Database (gnomAD). In silico splice site analysis predicts that this alteration will weaken the native splice acceptor site and will result in the creation or strengthening of a novel splice acceptor site. RNA studies showed abnormal splicing in the set of samples tested (Ambry internal data). Based on the supporting evidence, this alteration is interpreted as a disease-causing mutation.

Natera, Inc.
Classification: Pathogenic for Ataxia-telangiectasia. Last evaluated: 2024-12-24. Review status: criteria provided, single submitter. Criteria: Natera Variant Classification Schema (03/2026). Collection method: clinical testing. Allele origin: germline.
Comment: The c.2251-10T>G variant in ATM is an intronic variant located outside the canonical splice sites. This variant is rare in the general population with a frequency below the threshold expected for the associated phenotype(s). This variant has been observed in one or more individuals affected with the associated recessive disease, as either homozygous or compound heterozygous with a second variant (PMID: 9443866, 10873394, 34539671). Additionally, this variant has been observed to segregate in affected family members (PMID: 34539671). Functional studies show that this variant may disrupt protein function (PMID: 10873394, 28182994). Computational prediction algorithms indicate this variant is likely to affect gene or protein function. Given the available evidence, this variant is classified as Pathogenic.

Quest Diagnostics Nichols Institute San Juan Capistrano
Classification: Pathogenic. Last evaluated: 2024-09-09. Review status: criteria provided, single submitter. Criteria: Quest Diagnostics criteria. Collection method: clinical testing. Allele origin: unknown.
Comment: The ATM c.2251-10T>G variant disrupts a canonical splice-acceptor site and interferes with normal ATM mRNA splicing. This variant has been reported in the published literature in individuals with breast cancer (PMIDs: 26681312 (2015), 28779002 (2017)), breast cancer and/or ovarian cancer (PMIDs: 28281021 (2017), 35626031 (2022)), pancreatic cancer (PMIDs: 29922827 (2018), 37345735 (2023)), leukemia (PMIDs: 16014569 (2005), 37450374 (2023)) and lymphopenia (PMID: 34539671 (2021)), as well as in the biallelic state with a second pathogenic variant in individuals with ataxia telangiectasia (PMIDs: 9443866 (1998), 9463314 (1998), 10873394 (2000), 12552559 (2003)). The frequency of this variant in the general population, 0.000023 (3/129008 chromosomes (Genome Aggregation Database)), is uninformative in the assessment of its pathogenicity. Analysis of this variant using software algorithms for the prediction of the effect of nucleotide changes on splicing yielded predictions that this variant may affect proper ATM mRNA splicing. Based on the available information, this variant is classified as pathogenic.